The following is an entry in ClinVar:

ClinVar aggregate classification (germline): Uncertain significance (1 of 4 stars; one submission).

gnomAD v4.1: 1 of 1,613,662 alleles (0.000062%); highest among the groups gnomAD compares: Non-Finnish European, 0.000085%; no homozygotes.

Submission:

GeneDx
Classification: Uncertain significance. Last evaluated: 2026-01-30. Review status: criteria provided, single submitter. Criteria: GeneDx Variant Classification Process June 2021. Collection method: clinical testing. Allele origin: germline.
Comment: Not observed at significant frequency in large population cohorts (gnomAD); In silico analysis supports that this missense variant has a deleterious effect on protein structure/function; Has not been previously published as pathogenic or benign to our knowledge

NM_000844.4(GRM7):c.1486G>A (p.Gly496Arg)

Gene: GRM7 (glutamate metabotropic receptor 7; plus strand). Cytogenetic location: 3p26.1.
Variant type: single nucleotide variant.
Coding change: c.1486G>A on transcript NM_000844.4 (MANE Select); coding-DNA position 1486, G replaced by A.
Protein change: p.Gly496Arg; replaces glycine 496 with arginine.
Molecular consequence: missense variant.
Genome position (GRCh38, 1-based): chr3:7,461,693, G>A. VCF-style: chr3-7461693-G-A. GRCh37 (hg19) VCF-style: chr3-7503380-G-A.
Other names: c.1486G>A, p.Gly496Arg (NM_181874.3); short protein forms G496R.
Identifiers: ClinVar variation 4975908 (VCV004975908.1).
Genomic context (GRCh38, chr3:7,461,693, plus strand): 5'-CGTTATGACATCTTTCAGTACCAGACCACAAACACCAGCAACCCGGGTTACCGTCTGATC[G>A]GGCAGTGGACAGACGAACTTCAGCTCAATGTGAGTTCTGCTTGCTTCTCTTCTTCCCTTG-3'
Protein context (NP_000835.1, residues 486-506): NTSNPGYRLI[Gly496Arg]QWTDELQLNI